The following is an entry in ClinVar:

ClinVar aggregate classification (germline): Likely benign. Review status: criteria provided, single submitter (1 of 4 stars). 2 submissions from 2 submitters: Likely benign (1). 1 of the submissions does not count toward it. Last evaluated 2025-10-26.

Conditions:
EXPH5-related disorder. Also called: EXPH5-related condition.

Allele frequency attached by ClinVar (database versions not stated): gnomAD exomes 0.00014; ExAC 0.00048; 1000 Genomes Project 0.00100; 1000 Genomes Project 30x 0.00109; gnomAD 0.00142; TOPMed 0.00158; ESP Exome Variant Server 0.00215.
gnomAD v4.1: 422 of 1,606,114 alleles (0.026%); highest among the groups gnomAD compares: African/African-American, 0.52%; no homozygotes.

Submissions (2):

Labcorp Genetics (formerly Invitae), Labcorp
Classification: Likely benign. Last evaluated: 2025-10-26. Review status: criteria provided, single submitter. Criteria: Invitae Variant Classification Sherloc (09022015). Collection method: clinical testing. Allele origin: germline.

PreventionGenetics, part of Exact Sciences
Classification: Likely benign for EXPH5-related condition. Last evaluated: 2019-11-26. Review status: no assertion criteria provided. Collection method: clinical testing. Allele origin: germline. Not counted in ClinVar's aggregate classification.
Comment: This variant is classified as likely benign based on ACMG/AMP sequence variant interpretation guidelines (Richards et al. 2015 PMID: 25741868, with internal and published modifications).

NM_015065.3(EXPH5):c.716G>C (p.Arg239Thr)

Gene: EXPH5 (exophilin 5; minus strand). Cytogenetic location: 11q22.3.
Variant type: single nucleotide variant.
Coding change: c.716G>C on transcript NM_015065.3 (MANE Select); coding-DNA position 716, G replaced by C.
Protein change: p.Arg239Thr; replaces arginine 239 with threonine.
Molecular consequence: missense variant.
Genome position (GRCh38, 1-based): chr11:108,514,791, C>G on the plus strand (G>C on the coding strand, the complement: EXPH5 is on the minus strand). VCF-style: chr11-108514791-C-G. GRCh37 (hg19) VCF-style: chr11-108385518-C-G.
Other names: c.488G>C, p.Arg163Thr (NM_001144763.2); c.248G>C, p.Arg83Thr (NM_001144764.2); c.152G>C, p.Arg51Thr (NM_001144765.2); c.695G>C, p.Arg232Thr (NM_001308019.2); short protein forms R163T, R232T, R239T, R51T, R83T.
Identifiers: ClinVar variation 3048210 (VCV003048210.3), dbSNP rs115886533, ClinGen allele CA6268174.
Genomic context (GRCh38, chr11:108,514,791, plus strand): 5'-TGCCTTTCTGTGATATTACCATGTCTGTTACCACTGGAATAAAAGTGACCGAACTGTGTT[C>G]TTGATCCATAGTTGAGGGGTGTTCTGGTATTCACTGAGCTTGCAGACTGTTCCTGAGCCA-3'
Protein context (NP_055880.2, residues 229-249): NTRTPLNYGS[Arg239Thr]TQFGHFYSSG